The following is an entry in ClinVar:

NM_178140.4(PDZD2):c.7785G>A (p.Ser2595=)

Gene: PDZD2 (PDZ domain containing 2; plus strand). Cytogenetic location: 5p13.3.
Variant type: single nucleotide variant.
Coding change: c.7785G>A on transcript NM_178140.4 (MANE Select); coding-DNA position 7785, G replaced by A.
Protein change: p.Ser2595=; no amino-acid change (serine 2595 retained).
Molecular consequence: synonymous variant.
Genome position (GRCh38, 1-based): chr5:32,092,964, G>A. VCF-style: chr5-32092964-G-A. GRCh37 (hg19) VCF-style: chr5-32093070-G-A.
Identifiers: ClinVar variation 3060304 (VCV003060304.2), dbSNP rs16889442, ClinGen allele CA3220386.

ClinVar aggregate classification (germline): Benign (0 of 4 stars; one submission).

Conditions:
PDZD2-related disorder. Also called: PDZD2-related condition.

Allele frequency attached by ClinVar (database versions not stated): ESP Exome Variant Server 0.07750; gnomAD 0.08136; TOPMed 0.08645; gnomAD exomes 0.08879; ExAC 0.09232; 1000 Genomes Project 0.11721; 1000 Genomes Project 30x 0.11852.
gnomAD v4.1: 141,664 of 1,604,742 alleles (8.8%); highest among the groups gnomAD compares: East Asian, 23%; 7,041 homozygotes.

Submission:

PreventionGenetics, part of Exact Sciences
Classification: Benign for PDZD2-related condition. Last evaluated: 2019-02-26. Review status: no assertion criteria provided. Collection method: clinical testing. Allele origin: germline.
Comment: This variant is classified as benign based on ACMG/AMP sequence variant interpretation guidelines (Richards et al. 2015 PMID: 25741868, with internal and published modifications).